The following is an entry in ClinVar:

NM_007194.4(CHEK2):c.415T>G (p.Tyr139Asp)

Gene: CHEK2 (checkpoint kinase 2; minus strand). Cytogenetic location: 22q12.1.
Variant type: single nucleotide variant.
Coding change: c.415T>G on transcript NM_007194.4 (MANE Select); coding-DNA position 415, T replaced by G.
Protein change: p.Tyr139Asp; replaces tyrosine 139 with aspartic acid.
Molecular consequence: missense variant.
Genome position (GRCh38, 1-based): chr22:28,725,272, A>C on the plus strand (T>G on the coding strand, the complement: CHEK2 is on the minus strand). VCF-style: chr22-28725272-A-C. GRCh37 (hg19) VCF-style: chr22-29121260-A-C.
Other names: p.Y139D:TAC>GAC; c.544T>G, p.Tyr182Asp (NM_001005735.3); c.-363T>G (NM_001257387.3); c.415T>G, p.Tyr139Asp (NM_001349956.3, NM_145862.3); short protein forms Y139D, Y182D.
Identifiers: ClinVar variation 182454 (VCV000182454.16), dbSNP rs730881703, ClinGen allele CA299114.
Genomic context (GRCh38, chr22:28,725,272, plus strand): 5'-TCTCCTAGATACATGGGTATTCATTACCTACCCTGAAAATCCGAAAGTGTTTCTTGCTGT[A>C]TGTTCGGTATTTATCTGTTCTTTTCAGCAGTGGTTCATCAAAGCAATATTCACAGCTTTT-3'
Protein context (NP_009125.1, residues 129-149): LLKRTDKYRT[Tyr139Asp]SKKHFRIFRE

ClinVar aggregate classification (germline): Uncertain significance. Review status: criteria provided, multiple submitters, no conflicts (2 of 4 stars). 3 submissions from 3 submitters: Uncertain significance (3). Last evaluated 2020-08-18.

Conditions:
Hereditary cancer-predisposing syndrome. Also called: Tumor predisposition; Hereditary Cancer Syndrome; Hereditary neoplastic syndrome; Neoplastic Syndromes, Hereditary. Identifiers: Orphanet 140162, MedGen C0027672, MeSH D009386, MONDO:0015356.
Familial cancer of breast. Also called: BREAST CANCER, FAMILIAL; Hereditary breast cancer; hereditary breast carcinoma. Identifiers: Orphanet 227535, MedGen C0346153, MONDO:0016419, OMIM 114480. Disease mechanism: loss of function.

Submissions (3):

Labcorp Genetics (formerly Invitae), Labcorp
Classification: Uncertain significance for Familial cancer of breast. Last evaluated: 2020-08-18. Review status: criteria provided, single submitter. Criteria: Invitae Variant Classification Sherloc (09022015). Collection method: clinical testing. Allele origin: germline.
Comment: This sequence change replaces tyrosine with aspartic acid at codon 139 of the CHEK2 protein (p.Tyr139Asp). The tyrosine residue is highly conserved and there is a large physicochemical difference between tyrosine and aspartic acid. This variant is not present in population databases (ExAC no frequency). This variant has not been reported in the literature in individuals with CHEK2-related conditions. ClinVar contains an entry for this variant (Variation ID: 182454). Algorithms developed to predict the effect of missense changes on protein structure and function (SIFT, PolyPhen-2, Align-GVGD) all suggest that this variant is likely to be disruptive, but these predictions have not been confirmed by published functional studies and their clinical significance is uncertain. In summary, the available evidence is currently insufficient to determine the role of this variant in disease. Therefore, it has been classified as a Variant of Uncertain Significance.

Ambry Genetics
Classification: Uncertain significance for Hereditary cancer-predisposing syndrome. Last evaluated: 2019-02-16. Review status: criteria provided, single submitter. Criteria: Ambry Variant Classification Scheme 2023. Collection method: clinical testing. Allele origin: germline.
Comment: The p.Y139D variant (also known as c.415T>G), located in coding exon 2 of the CHEK2 gene, results from a T to G substitution at nucleotide position 415. The tyrosine at codon 139 is replaced by aspartic acid, an amino acid with highly dissimilar properties. This amino acid position is highly conserved in available vertebrate species. In addition, this alteration is predicted to be deleterious by in silico analysis. Since supporting evidence is limited at this time, the clinical significance of this alteration remains unclear.

GeneDx
Classification: Uncertain significance. Last evaluated: 2014-09-30. Review status: criteria provided, single submitter. Criteria: GeneDx Variant Classification (06012015). Collection method: clinical testing. Allele origin: germline. Affected: yes.
Comment: This variant is denoted CHEK2 c.415T>G at the cDNA level, p.Tyr139Asp (Y139D) at the protein level, and results in the change of a Tyrosine to an Aspartic Acid (TAC>GAC). This variant has not, to our knowledge, been published in the literature as pathogenic or benign. CHEK2 Tyr139Asp was not observed in approximately 6,500 individuals of European and African American ancestry in the NHLBI Exome Sequencing Project, indicating it is not a common benign variant in these populations. Since Tyrosine and Aspartic Acid differ in polarity, charge, size or other properties, this is considered a non-conservative amino acid substitution. CHEK2 Tyr139Asp occurs at a position that is highly conserved in mammals and is located in FHA domain (UniProt). In silico analyses predict that this variant is probably damaging to protein structure and function. Based on currently available information, it is unclear whether CHEK2 Tyr139Asp is pathogenic or benign. We consider it to be a variant of uncertain significance.